The following is an entry in ClinVar:

NM_182972.3(IRF2BP2):c.1058C>T (p.Thr353Ile)

Gene: IRF2BP2 (interferon regulatory factor 2 binding protein 2; minus strand). Cytogenetic location: 1q42.3.
Variant type: single nucleotide variant.
Coding change: c.1058C>T on transcript NM_182972.3 (MANE Select); coding-DNA position 1058, C replaced by T.
Protein change: p.Thr353Ile; replaces threonine 353 with isoleucine.
Molecular consequence: missense variant.
Genome position (GRCh38, 1-based): chr1:234,607,843, G>A on the plus strand (C>T on the coding strand, the complement: IRF2BP2 is on the minus strand). VCF-style: chr1-234607843-G-A. GRCh37 (hg19) VCF-style: chr1-234743589-G-A.
Other names: c.1058C>T (NM_182972.2); c.1010C>T, p.Thr337Ile (NM_001077397.1); short protein forms T337I, T353I.
Identifiers: ClinVar variation 2908249 (VCV002908249.4), dbSNP rs776749469, ClinGen allele CA1461651.
Genomic context (GRCh38, chr1:234,607,843, plus strand): 5'-TTGATCTTAGGGGGCCCGACTTCACCTTCTGGTTCTGGAGAGGGCTTCCTTTTCCTTGCT[G>A]TTCTTGCAACTGGAAACACAAAGAAATAAAAGGAAAAAGGTAACATAAGTGGCGGTGCAC-3'
Protein context (NP_892017.2, residues 343-363): GANGSKAVAR[Thr353Ile]ARKRKPSPEP

ClinVar aggregate classification (germline): Uncertain significance. Review status: criteria provided, multiple submitters, no conflicts (2 of 4 stars). 2 submissions from 2 submitters: Uncertain significance (2). Last evaluated 2025-02-25.

Allele frequency attached by ClinVar (database versions not stated): TOPMed below 0.00001; gnomAD 0.00001; ExAC 0.00004.

Submissions (2):

Ambry Genetics
Classification: Uncertain significance. Last evaluated: 2025-02-25. Review status: criteria provided, single submitter. Criteria: Ambry Variant Classification Scheme 2023. Collection method: clinical testing. Allele origin: germline.

Labcorp Genetics (formerly Invitae), Labcorp
Classification: Uncertain significance. Last evaluated: 2024-11-10. Review status: criteria provided, single submitter. Criteria: Invitae Variant Classification Sherloc (09022015). Collection method: clinical testing. Allele origin: germline.
Comment: This sequence change replaces threonine, which is neutral and polar, with isoleucine, which is neutral and non-polar, at codon 353 of the IRF2BP2 protein (p.Thr353Ile). This variant is present in population databases (rs776749469, gnomAD 0.02%). This variant has not been reported in the literature in individuals affected with IRF2BP2-related conditions. ClinVar contains an entry for this variant (Variation ID: 2908249). An algorithm developed to predict the effect of missense changes on protein structure and function (PolyPhen-2) suggests that this variant is likely to be tolerated. In summary, the available evidence is currently insufficient to determine the role of this variant in disease. Therefore, it has been classified as a Variant of Uncertain Significance.